The following is an entry in ClinVar:

NM_000545.8(HNF1A):c.961C>T (p.Arg321Cys)

Gene: HNF1A (HNF1 homeobox A; plus strand). Cytogenetic location: 12q24.31.
Variant type: single nucleotide variant.
Coding change: c.961C>T on transcript NM_000545.8 (MANE Select); coding-DNA position 961, C replaced by T.
Protein change: p.Arg321Cys; replaces arginine 321 with cysteine.
Molecular consequence: missense variant.
Genome position (GRCh38, 1-based): chr12:120,996,267, C>T. VCF-style: chr12-120996267-C-T. GRCh37 (hg19) VCF-style: chr12-121434070-C-T.
Other names: c.961C>T, p.Arg321Cys (NM_001306179.2, NM_001406915.1); short protein forms R321C.
Identifiers: ClinVar variation 3390430 (VCV003390430.3).

ClinVar aggregate classification (germline): Uncertain significance. Review status: criteria provided, multiple submitters, no conflicts (2 of 4 stars). 3 submissions from 3 submitters: Uncertain significance (3). Last evaluated 2024-07-31.

Conditions:
Nonpapillary renal cell carcinoma. Identifiers: Orphanet 422526, MedGen CN074294, MONDO:0007763, OMIM 144700.
Type 1 diabetes mellitus 20 (T1D20). Also called: Diabetes mellitus, insulin-dependent, 20. Identifiers: MedGen C2675866, MONDO:0012919, OMIM 612520.
Type 2 diabetes mellitus. Also called: Type II diabetes mellitus. Identifiers: MedGen C0011860, MeSH D003924, MONDO:0005148, OMIM 125853, HP:0005978.
Hepatic adenomas, familial. Also called: LIVER CELL ADENOMAS, FAMILIAL; HEPATIC ADENOMA, SOMATIC. Identifiers: MedGen C1840646, MONDO:0007718, OMIM 142330.
Diabetes mellitus type 1 (T1D). Also called: Diabetes Mellitus, Juvenile-Onset; Type I diabetes mellitus. Identifiers: MedGen C0011854, MONDO:0005147, OMIM 222100, HP:0100651.
Maturity-onset diabetes of the young type 3. Also called: MODY type 3; MODY, type III. Identifiers: Orphanet 552, MedGen C1838100, MeSH C563933, MONDO:0010894, OMIM 600496. Disease mechanism: loss of function.

gnomAD v4.1: 22 of 1,613,862 alleles (0.0014%); highest among the groups gnomAD compares: East Asian, 0.0022%; no homozygotes.

Submissions (3):

Labcorp Genetics (formerly Invitae), Labcorp
Classification: Uncertain significance. Last evaluated: 2024-07-31. Review status: criteria provided, single submitter. Criteria: Invitae Variant Classification Sherloc (09022015). Collection method: clinical testing. Allele origin: germline.
Comment: This sequence change replaces arginine, which is basic and polar, with cysteine, which is neutral and slightly polar, at codon 321 of the HNF1A protein (p.Arg321Cys). This variant is present in population databases (rs766770471, gnomAD 0.003%). This variant has not been reported in the literature in individuals affected with HNF1A-related conditions. Advanced modeling of protein sequence and biophysical properties (such as structural, functional, and spatial information, amino acid conservation, physicochemical variation, residue mobility, and thermodynamic stability) performed at Invitae indicates that this missense variant is not expected to disrupt HNF1A protein function with a negative predictive value of 80%. In summary, the available evidence is currently insufficient to determine the role of this variant in disease. Therefore, it has been classified as a Variant of Uncertain Significance.

GeneDx
Classification: Uncertain significance. Last evaluated: 2024-06-11. Review status: criteria provided, single submitter. Criteria: GeneDx Variant Classification Process June 2021. Collection method: clinical testing. Allele origin: germline. Affected: yes.
Comment: In silico analysis supports that this missense variant has a deleterious effect on protein structure/function; Has not been previously published as pathogenic or benign to our knowledge; This variant is associated with the following publications: (PMID: 21224407)

Fulgent Genetics
Classification: Uncertain significance for Type 2 diabetes mellitus; Hepatic adenomas, familial; Nonpapillary renal cell carcinoma; Diabetes mellitus type 1; Maturity-onset diabetes of the young type 3; Type 1 diabetes mellitus 20. Last evaluated: 2024-05-08. Review status: criteria provided, single submitter. Criteria: ACMG Guidelines, 2015. Collection method: clinical testing. Allele origin: germline.